The following is an entry in ClinVar:

NC_012920.1(MT-ND5):m.12811T>C

Gene: MT-ND5 (mitochondrially encoded NADH dehydrogenase 5; plus strand).
Variant type: single nucleotide variant.
Genome position: chrM-12811-T-C.
Identifiers: ClinVar variation 65510 (VCV000065510.12), dbSNP rs199974018, ClinGen allele CA344821.

ClinVar aggregate classification (germline): Benign. Review status: reviewed by expert panel (3 of 4 stars). 4 submissions from 4 submitters: Benign (1). 3 of the submissions do not count toward it. Last evaluated 2023-04-17.

Conditions:
Mitochondrial disease. Also called: Mitochondrial disorder; Mitochondrial disorders. Identifiers: Orphanet 68380, MedGen C0751651, MeSH D028361, MONDO:0044970.
Leber optic atrophy (LHON). Also called: Leber's disease; Leber's optic atrophy; Leber hereditary optic neuropathy; Optic Atrophy, Hereditary, Leber. Identifiers: Orphanet 104, MedGen C0917796, MONDO:0010788, OMIM 535000, HP:0001112.
Leigh syndrome (NULS). Also called: Leigh's necrotizing encephalopathy; Leigh's disease; Subacute necrotizing encephalopathy; Necrotizing encephalopathy infantile subacute of Leigh; Leigh Disease; LEIGH SYNDROME, NUCLEAR. Identifiers: Orphanet 506, MedGen C2931891, MONDO:0009723, OMIM 256000.

Submissions (4):

ClinGen Mitochondrial Disease Nuclear and Mitochondrial  Variant Curation Expert Panel, ClinGen
Classification: Benign for Mitochondrial disease. Last evaluated: 2023-04-17. Review status: reviewed by expert panel. Criteria: McCormick et al. (Hum Mutat. 2020). Collection method: curation. Allele origin: germline. Inheritance: Mitochondrial inheritance.
Comment: The m.12811T>C (p. Y159H) variant in MT-ND5 was reviewed by the Mitochondrial Disease Nuclear and Mitochondrial Variant Curation Expert Panel on April 17, 2023. This variant has not been reported in the medical literature as an individual cause of primary mitochondrial disease to our knowledge. However, there are nine cases reported that have this variant and the common Leber Hereditary Optic Neuropathy (LHON) variant, m.11778G>A, and one case with this variant and the m.3460G>A common LHON variant (PMIDs: 17406640, 17434142, 19026397). While this variant has been reported to be a modifier or secondary variant for LHON, assessment of such variants is outside the scope of this curation. The computational predictor APOGEE gives a consensus rating of 0.32 (Min=0, Max=1), supporting a neutral effect of this variant on function (BP4). This variant is present in population databases including MITOMAP’s GenBank sequences (674/59,389; 1.135%), in the Helix dataset (1,274/195,983; 0.650%; includes 1274 homoplasmic occurrences and 14 heteroplasmic occurrences and seen in haplogroups H, M, A, K, W, D, L2, T), and in gnomAD v3.1.2 (328/56,429; 0.581%; includes 328 homoplasmic occurrences across individuals of East Asian, European (non-Finnish), Latino, and South Asian descent; BA1). There are no cybrids, single fiber studies, or other functional assays reported on this variant. In summary, this variant meets criteria to be classified as benign for primary mitochondrial disease inherited in a mitochondrial manner. This classification was approved by the NICHD/NINDS U24 ClinGen Mitochondrial Disease Variant Curation Expert Panel on April 17, 2023. Mitochondrial DNA-specific ACMG/AMP criteria applied: BP4, BA1.

Wong Mito Lab, Molecular and Human Genetics, Baylor College of Medicine
Classification: Benign for Leigh syndrome. Last evaluated: 2019-10-17. Review status: criteria provided, single submitter. Criteria: Modified ACMG Guidelines (Unpublished). Collection method: clinical testing. Allele origin: germline. Not counted in ClinVar's aggregate classification.
Comment: The NC_012920.1:m.12811T>C (YP_003024036.1:p.Tyr1159His) variant in MTND5 gene is interpretated to be a Benign variant based on the modified ACMG guidelines (unpublished). This variant meets the following evidence codes: BA1

ARUP Laboratories, Molecular Genetics and Genomics, ARUP Laboratories
Classification: Uncertain significance. Last evaluated: 2018-03-17. Review status: criteria provided, single submitter. Criteria: ARUP Molecular Germline Variant Investigation Process. Collection method: clinical testing. Allele origin: germline. Not counted in ClinVar's aggregate classification.

GeneReviews
No classification provided. Condition: Leber optic atrophy. Review status: no classification provided. Collection method: literature only. Allele origin: maternal. Not counted in ClinVar's aggregate classification.

Literature cited by the submitters: PubMed 30143805 (cited by GeneReviews); PubMed 20301353 (cited by GeneReviews).